The following is an entry in ClinVar:

NM_021067.5(GINS1):c.4T>A (p.Phe2Ile)

Genes: GINS1 (GINS complex subunit 1; plus strand), LOC130065587 (ATAC-STARR-seq lymphoblastoid active region 17669; plus strand). Cytogenetic location: 20p11.21.
Variant type: single nucleotide variant.
Coding change: c.4T>A on transcript NM_021067.5 (MANE Select); coding-DNA position 4, T replaced by A.
Protein change: p.Phe2Ile; replaces phenylalanine 2 with isoleucine.
Molecular consequence: missense variant. On other transcripts: non-coding transcript variant (1).
Genome position (GRCh38, 1-based): chr20:25,407,824, T>A. VCF-style: chr20-25407824-T-A. GRCh37 (hg19) VCF-style: chr20-25388460-T-A.
Other names: c.4T>A, p.Phe2Ile (NM_001410830.1, NM_001410831.1); short protein forms F2I.
Identifiers: ClinVar variation 3681474 (VCV003681474.2).

ClinVar aggregate classification (germline): Uncertain significance (1 of 4 stars; one submission).

Submission:

Labcorp Genetics (formerly Invitae), Labcorp
Classification: Uncertain significance. Last evaluated: 2024-05-29. Review status: criteria provided, single submitter. Criteria: Invitae Variant Classification Sherloc (09022015). Collection method: clinical testing. Allele origin: germline.
Comment: This sequence change replaces phenylalanine, which is neutral and non-polar, with isoleucine, which is neutral and non-polar, at codon 2 of the GINS1 protein (p.Phe2Ile). This variant is not present in population databases (gnomAD no frequency). This variant has not been reported in the literature in individuals affected with GINS1-related conditions. An algorithm developed to predict the effect of missense changes on protein structure and function (PolyPhen-2) suggests that this variant is likely to be tolerated. In summary, the available evidence is currently insufficient to determine the role of this variant in disease. Therefore, it has been classified as a Variant of Uncertain Significance.